The following is an entry in ClinVar:

NM_001171.6(ABCC6):c.4140C>T (p.Leu1380=)

Gene: ABCC6 (ATP binding cassette subfamily C member 6; minus strand). Cytogenetic location: 16p13.11.
Variant type: single nucleotide variant.
Coding change: c.4140C>T on transcript NM_001171.6 (MANE Select); coding-DNA position 4140, C replaced by T.
Protein change: p.Leu1380=; no amino-acid change (leucine 1380 retained).
Molecular consequence: synonymous variant. On other transcripts: non-coding transcript variant (1).
Genome position (GRCh38, 1-based): chr16:16,154,696, G>A on the plus strand (C>T on the coding strand, the complement: ABCC6 is on the minus strand). VCF-style: chr16-16154696-G-A. GRCh37 (hg19) VCF-style: chr16-16248553-G-A.
Other names: c.4140C>T (NM_001171.5); c.3798C>T, p.Leu1266= (NM_001351800.1).
Identifiers: ClinVar variation 1464329 (VCV001464329.9), dbSNP rs368258006, ClinGen allele CA7925303.

ClinVar aggregate classification (germline): Likely benign. Review status: criteria provided, multiple submitters, no conflicts (2 of 4 stars). 2 submissions from 2 submitters: Likely benign (2). Last evaluated 2025-06-24.

Conditions:
ABCC6-related disorder. Also called: ABCC6-related condition.

Allele frequency attached by ClinVar (database versions not stated): gnomAD exomes below 0.00001 and 0.00001; ExAC 0.00002; ESP Exome Variant Server 0.00015.
gnomAD v4.1: 9 of 1,613,544 alleles (0.00056%); highest among the groups gnomAD compares: Middle Eastern, 0.017%; no homozygotes.

Submissions (2):

Labcorp Genetics (formerly Invitae), Labcorp
Classification: Likely benign. Last evaluated: 2025-06-24. Review status: criteria provided, single submitter. Criteria: Invitae Variant Classification Sherloc (09022015). Collection method: clinical testing. Allele origin: germline.

PreventionGenetics, part of Exact Sciences
Classification: Likely benign for ABCC6-related condition. Last evaluated: 2025-04-07. Review status: criteria provided, single submitter. Criteria: ACMG Guidelines, 2015. Collection method: clinical testing. Allele origin: germline.
Comment: This variant is classified as likely benign based on ACMG/AMP sequence variant interpretation guidelines (Richards et al. 2015 PMID: 25741868, with internal and published modifications).